The following is an entry in ClinVar:

NM_000051.4(ATM):c.6126_6127insTTT (p.Trp2042_Gly2043insPhe)

Genes: ATM (ATM serine/threonine kinase; plus strand), C11orf65 (chromosome 11 open reading frame 65; minus strand). Cytogenetic location: 11q22.3.
Variant type: Insertion.
Coding change: c.6126_6127insTTT on transcript NM_000051.4 (MANE Select); coding-DNA positions 6126 to 6127, TTT inserted.
Protein change: p.Trp2042_Gly2043insPhe.
Molecular consequence: inframe insertion. On other transcripts: intron variant (2).
Genome position: GRCh38 VCF-style: chr11-108316041-G-GTTT. GRCh37 (hg19) VCF-style: chr11-108186768-G-GTTT.
Other names: c.6126_6127insTTT, p.Trp2042_Gly2043insPhe (NM_001351834.2); c.641-6971_641-6970insAAA (NM_001330368.2); c.*39-6971_*39-6970insAAA (NM_001351110.2).
Identifiers: ClinVar variation 2582032 (VCV002582032.1), dbSNP rs2547094686, ClinGen allele CA2582342461.

ClinVar aggregate classification (germline): Uncertain significance (1 of 4 stars; one submission).

Submission:

GeneDx
Classification: Uncertain significance. Last evaluated: 2023-03-27. Review status: criteria provided, single submitter. Criteria: GeneDx Variant Classification Process June 2021. Collection method: clinical testing. Allele origin: germline. Affected: yes.
Comment: In-frame insertion of 1 amino acid in a non-repeat region; Not observed at significant frequency in large population cohorts (gnomAD); Has not been previously published as pathogenic or benign to our knowledge; Located in the critical FAT domain (Stracker et al., 2013); This variant is associated with the following publications: (PMID: 23532176)